The following is an entry in ClinVar:

ClinVar aggregate classification (germline): Uncertain significance (1 of 4 stars; one submission).

Conditions:
Hereditary pancreatitis (PCTT). Also called: PRSS1-Related Hereditary Pancreatitis; Hereditary chronic pancreatitis. Identifiers: Orphanet 676, MedGen C0238339, MONDO:0008185, OMIM 167800.

Submission:

Ambry Genetics
Classification: Uncertain significance for Hereditary pancreatitis. Last evaluated: 2025-09-01. Review status: criteria provided, single submitter. Criteria: Ambry Variant Classification Scheme 2023. Collection method: clinical testing. Allele origin: germline.
Comment: The p.E31V variant (also known as c.92A>T), located in coding exon 2 of the PRSS1 gene, results from an A to T substitution at nucleotide position 92. The glutamic acid at codon 31 is replaced by valine, an amino acid with dissimilar properties. This amino acid position is conserved. In addition, this alteration is predicted to be tolerated by in silico analysis. Since supporting evidence is limited at this time, the clinical significance of this alteration remains unclear.

NM_002769.5(PRSS1):c.92A>T (p.Glu31Val)

Genes: PRSS1 (serine protease 1; plus strand), TRB (T cell receptor beta locus; plus strand). Cytogenetic location: 7q34.
Variant type: single nucleotide variant.
Coding change: c.92A>T on transcript NM_002769.5 (MANE Select); coding-DNA position 92, A replaced by T.
Protein change: p.Glu31Val; replaces glutamic acid 31 with valine.
Molecular consequence: missense variant. On other transcripts: non-coding transcript variant (2).
Genome position (GRCh38, 1-based): chr7:142,750,606, A>T. VCF-style: chr7-142750606-A-T. GRCh37 (hg19) VCF-style: chr7-142458457-A-T.
Other names: short protein forms E31V.
Identifiers: ClinVar variation 1766474 (VCV001766474.3), dbSNP rs2485732829, ClinGen allele CA369607185.